The following is an entry in ClinVar:

NM_006734.4(HIVEP2):c.6830T>G (p.Val2277Gly)

Gene: HIVEP2 (HIVEP zinc finger 2; minus strand). Cytogenetic location: 6q24.2.
Variant type: single nucleotide variant.
Coding change: c.6830T>G on transcript NM_006734.4 (MANE Select); coding-DNA position 6830, T replaced by G.
Protein change: p.Val2277Gly; replaces valine 2277 with glycine.
Molecular consequence: missense variant.
Genome position (GRCh38, 1-based): chr6:142,753,618, A>C on the plus strand (T>G on the coding strand, the complement: HIVEP2 is on the minus strand). VCF-style: chr6-142753618-A-C. GRCh37 (hg19) VCF-style: chr6-143074755-A-C.
Other names: short protein forms V2277G.
Identifiers: ClinVar variation 3670313 (VCV003670313.2).

ClinVar aggregate classification (germline): Uncertain significance (1 of 4 stars; one submission).

Submission:

Labcorp Genetics (formerly Invitae), Labcorp
Classification: Uncertain significance. Last evaluated: 2024-10-20. Review status: criteria provided, single submitter. Criteria: Invitae Variant Classification Sherloc (09022015). Collection method: clinical testing. Allele origin: germline.
Comment: This sequence change replaces valine, which is neutral and non-polar, with glycine, which is neutral and non-polar, at codon 2277 of the HIVEP2 protein (p.Val2277Gly). This variant is not present in population databases (gnomAD no frequency). This variant has not been reported in the literature in individuals affected with HIVEP2-related conditions. An algorithm developed to predict the effect of missense changes on protein structure and function (PolyPhen-2) suggests that this variant is likely to be tolerated. In summary, the available evidence is currently insufficient to determine the role of this variant in disease. Therefore, it has been classified as a Variant of Uncertain Significance.